The following is an entry in ClinVar:

ClinVar aggregate classification (germline): Conflicting classifications of pathogenicity. Review status: criteria provided, conflicting classifications (1 of 4 stars). 2 submissions from 2 submitters: Uncertain significance (1); Likely benign (1). Last evaluated 2026-04-17.

Conditions:
Myofibromatosis, infantile, 1. Also called: Myofibromatosis, juvenile. Identifiers: Orphanet 2591, MedGen C4551572, MONDO:0009227, OMIM 228550.
Skeletal overgrowth-craniofacial dysmorphism-hyperelastic skin-white matter lesions syndrome. Also called: SKELETAL OVERGROWTH WITH FACIAL DYSMORPHISM, HYPERELASTIC SKIN, WHITE MATTER LESIONS, AND NEUROLOGIC DETERIORATION; Kosaki overgrowth syndrome. Identifiers: Orphanet 477831, MedGen C4225270, MONDO:0014704, OMIM 616592.
Infantile myofibromatosis (IMF). Also called: Congenital generalized fibromatosis. Identifiers: Orphanet 2591, MedGen C0432284, MONDO:0016824.
Basal ganglia calcification, idiopathic, 4 (PFBC4). Also called: Familial Idiopathic Basal Ganglia Calcification 4; PRIMARY FAMILIAL BRAIN CALCIFICATION 4, AUTOSOMAL DOMINANT. Identifiers: Orphanet 1980, MedGen C3554321, MONDO:0014004, OMIM 615007.
Acroosteolysis-keloid-like lesions-premature aging syndrome. Also called: Premature aging syndrome, Penttinen type; Prematurely aged appearance, delayed bone maturation, acro-osteolysis, and brachydactyly; Progeroid syndrome, Penttinen type. Identifiers: Orphanet 363665, MedGen C1866182, MONDO:0011150, OMIM 601812.

Allele frequency attached by ClinVar (database versions not stated): ExAC 0.00001; gnomAD 0.00006; TOPMed 0.00007; ESP Exome Variant Server 0.00008.
gnomAD v4.1: 24 of 1,613,528 alleles (0.0015%); highest among the groups gnomAD compares: African/African-American, 0.015%; no homozygotes.

Submissions (2):

Clinical Genomics Laboratory, Washington University in St. Louis
Classification: Uncertain significance for Skeletal overgrowth-craniofacial dysmorphism-hyperelastic skin-white matter lesions syndrome; Myofibromatosis, infantile, 1. Last evaluated: 2026-04-17. Review status: criteria provided, single submitter. Criteria: ACMG Guidelines, 2015. Collection method: clinical testing. Allele origin: germline.
Comment: A PDGFRB c.2084G>A (p.Arg695His) variant was identified at a near heterozygous allelic fraction of 49.4%, a frequency which may be consistent with it being of germline origin. This variant, to our knowledge, has not been reported in the medical literature. It has been reported in the ClinVar database as a germline likely benign variant by one submitter (Variation ID: 2145401). This variant is observed on 24/1,613,528 alleles in the general population (gnomAD v4.1.1). Computational predictors indicate that the variant is damaging, evidence that correlates with impact to PDGFRB function. Due to limited information, and based on ACMG/AMP guidelines for variant interpretation (Richards S et al., PMID: 25741868), the clinical significance of this variant is uncertain at this time.

Labcorp Genetics (formerly Invitae), Labcorp
Classification: Likely benign for Basal ganglia calcification, idiopathic, 4; Skeletal overgrowth-craniofacial dysmorphism-hyperelastic skin-white matter lesions syndrome; Infantile myofibromatosis; Acroosteolysis-keloid-like lesions-premature aging syndrome. Last evaluated: 2022-04-21. Review status: criteria provided, single submitter. Criteria: Invitae Variant Classification Sherloc (09022015). Collection method: clinical testing. Allele origin: germline.

Literature cited by the submitters: uncertain (cited by Clinical Genomics Laboratory, Washington University in St. Louis).

NM_002609.4(PDGFRB):c.2084G>A (p.Arg695His)

Gene: PDGFRB (platelet derived growth factor receptor beta; minus strand). Cytogenetic location: 5q32.
Variant type: single nucleotide variant.
Coding change: c.2084G>A on transcript NM_002609.4 (MANE Select); coding-DNA position 2084, G replaced by A.
Protein change: p.Arg695His; replaces arginine 695 with histidine.
Molecular consequence: missense variant.
Genome position (GRCh38, 1-based): chr5:150,123,141, C>T on the plus strand (G>A on the coding strand, the complement: PDGFRB is on the minus strand). VCF-style: chr5-150123141-C-T. GRCh37 (hg19) VCF-style: chr5-149502704-C-T.
Other names: c.1892G>A, p.Arg631His (NM_001355016.2); c.1601G>A, p.Arg534His (NM_001355017.2); short protein forms R631H, R534H, R695H.
Identifiers: ClinVar variation 2145401 (VCV002145401.5), dbSNP rs375978065, ClinGen allele CA3507756.